The following is an entry in ClinVar:

ClinVar aggregate classification (germline): Uncertain significance (1 of 4 stars; one submission).

Submission:

Labcorp Genetics (formerly Invitae), Labcorp
Classification: Uncertain significance. Last evaluated: 2025-01-23. Review status: criteria provided, single submitter. Criteria: Invitae Variant Classification Sherloc (09022015). Collection method: clinical testing. Allele origin: germline.
Comment: This sequence change replaces serine, which is neutral and polar, with proline, which is neutral and non-polar, at codon 386 of the COL4A3 protein (p.Ser386Pro). This variant is not present in population databases (gnomAD no frequency). This variant has not been reported in the literature in individuals affected with COL4A3-related conditions. ClinVar contains an entry for this variant (Variation ID: 1719549). Invitae Evidence Modeling of protein sequence and biophysical properties (such as structural, functional, and spatial information, amino acid conservation, physicochemical variation, residue mobility, and thermodynamic stability) indicates that this missense variant is not expected to disrupt COL4A3 protein function with a negative predictive value of 95%. In summary, the available evidence is currently insufficient to determine the role of this variant in disease. Therefore, it has been classified as a Variant of Uncertain Significance.

NM_000091.5(COL4A3):c.1156T>C (p.Ser386Pro)

Genes: COL4A3 (collagen type IV alpha 3 chain; plus strand), MFF-DT (MFF divergent transcript; minus strand). Cytogenetic location: 2q36.3.
Variant type: single nucleotide variant.
Coding change: c.1156T>C on transcript NM_000091.5 (MANE Select); coding-DNA position 1156, T replaced by C.
Protein change: p.Ser386Pro; replaces serine 386 with proline.
Molecular consequence: missense variant.
Genome position (GRCh38, 1-based): chr2:227,263,785, T>C. VCF-style: chr2-227263785-T-C. GRCh37 (hg19) VCF-style: chr2-228128501-T-C.
Other names: short protein forms S386P.
Identifiers: ClinVar variation 1719549 (VCV001719549.5), dbSNP rs2469633368, ClinGen allele CA350868680.
Genomic context (GRCh38, chr2:227,263,785, plus strand): 5'-ATTCGTATTAATCAGGAAAAAATGTAAAATACAAGAAATGATTATTTTCTCCAAGGATCA[T>C]CAAGGCCTGGCCTCAGAGGAGCCCCTGGATGGCCAGGCCTGAAAGGAAGTAAAGGGGAAC-3'
Protein context (NP_000082.2, residues 376-396): PPGVPGSPGS[Ser386Pro]RPGLRGAPGW